The following is an entry in ClinVar:

NM_001321722.2(SLC28A1):c.1902C>T (p.Ser634=)

Gene: SLC28A1 (solute carrier family 28 member 1; plus strand). Cytogenetic location: 15q25.3.
Variant type: single nucleotide variant.
Coding change: c.1902C>T on transcript NM_001321722.2; coding-DNA position 1902, C replaced by T.
Protein change: p.Ser634=; no amino-acid change (serine 634 retained).
Molecular consequence: synonymous variant. On other transcripts: 3 prime UTR variant (1).
Genome position (GRCh38, 1-based): chr15:84,975,532, C>T. VCF-style: chr15-84975532-C-T. GRCh37 (hg19) VCF-style: chr15-85518763-C-T.
Other names: c.*70C>T (NM_001321721.2).
Identifiers: ClinVar variation 3039273 (VCV003039273.2), dbSNP rs147728564, ClinGen allele CA7711056.

ClinVar aggregate classification (germline): Benign (0 of 4 stars; one submission).

Conditions:
SLC28A1-related disorder. Also called: SLC28A1-related condition.

Allele frequency attached by ClinVar (database versions not stated): ExAC 0.00028; 1000 Genomes Project 30x 0.00578; TOPMed 0.00362; gnomAD 0.00314; gnomAD exomes 0.00047; 1000 Genomes Project 0.00519.
gnomAD v4.1: 615 of 456,246 alleles (0.13%); highest among the groups gnomAD compares: African/African-American, 1.1%; 1 homozygote.

Submission:

PreventionGenetics, part of Exact Sciences
Classification: Benign for SLC28A1-related condition. Last evaluated: 2019-12-06. Review status: no assertion criteria provided. Collection method: clinical testing. Allele origin: germline.
Comment: This variant is classified as benign based on ACMG/AMP sequence variant interpretation guidelines (Richards et al. 2015 PMID: 25741868, with internal and published modifications).